The following is an entry in ClinVar:

ClinVar aggregate classification (germline): Uncertain significance. Review status: criteria provided, multiple submitters, no conflicts (2 of 4 stars). 2 submissions from 2 submitters: Uncertain significance (2). Last evaluated 2025-11-05.

Conditions:
Inborn genetic diseases. Identifiers: MedGen C0950123, MeSH D030342.
Baller-Gerold syndrome (BGS). Also called: CRANIOSYNOSTOSIS WITH RADIAL DEFECTS. Identifiers: Orphanet 1225, MedGen C0265308, MONDO:0009039, OMIM 218600.

Allele frequency attached by ClinVar (database versions not stated): gnomAD exomes below 0.00001; TOPMed 0.00001; gnomAD 0.00003.
gnomAD v4.1: 2 of 1,608,820 alleles (0.00012%); highest among the groups gnomAD compares: Non-Finnish European, 0.00017%; no homozygotes.

Submissions (2):

Labcorp Genetics (formerly Invitae), Labcorp
Classification: Uncertain significance for Baller-Gerold syndrome. Last evaluated: 2025-11-05. Review status: criteria provided, single submitter. Criteria: Invitae Variant Classification Sherloc (09022015). Collection method: clinical testing. Allele origin: germline.
Comment: This sequence change replaces alanine, which is neutral and non-polar, with threonine, which is neutral and polar, at codon 759 of the RECQL4 protein (p.Ala759Thr). This variant is present in population databases (no rsID available, gnomAD 0.007%). This variant has not been reported in the literature in individuals affected with RECQL4-related conditions. ClinVar contains an entry for this variant (Variation ID: 645202). Invitae Evidence Modeling of protein sequence and biophysical properties (such as structural, functional, and spatial information, amino acid conservation, physicochemical variation, residue mobility, and thermodynamic stability) indicates that this missense variant is expected to disrupt RECQL4 protein function with a positive predictive value of 80%. In summary, the available evidence is currently insufficient to determine the role of this variant in disease. Therefore, it has been classified as a Variant of Uncertain Significance.

Ambry Genetics
Classification: Uncertain significance for Inborn genetic diseases. Last evaluated: 2025-01-13. Review status: criteria provided, single submitter. Criteria: Ambry Variant Classification Scheme 2023. Collection method: clinical testing. Allele origin: germline.
Comment: The p.A759T variant (also known as c.2275G>A), located in coding exon 14 of the RECQL4 gene, results from a G to A substitution at nucleotide position 2275. The alanine at codon 759 is replaced by threonine, an amino acid with similar properties. This amino acid position is conserved. In addition, the in silico prediction for this alteration is inconclusive. Based on the available evidence, the clinical significance of this variant remains unclear.

NM_004260.4(RECQL4):c.2275G>A (p.Ala759Thr)

Gene: RECQL4 (RecQ like helicase 4; minus strand). Cytogenetic location: 8q24.3.
Variant type: single nucleotide variant.
Coding change: c.2275G>A on transcript NM_004260.4 (MANE Select); coding-DNA position 2275, G replaced by A.
Protein change: p.Ala759Thr; replaces alanine 759 with threonine.
Molecular consequence: missense variant.
Genome position (GRCh38, 1-based): chr8:144,513,406, C>T on the plus strand (G>A on the coding strand, the complement: RECQL4 is on the minus strand). VCF-style: chr8-144513406-C-T. GRCh37 (hg19) VCF-style: chr8-145738790-C-T.
Other names: short protein forms A759T.
Identifiers: ClinVar variation 645202 (VCV000645202.8), dbSNP rs1198791067, ClinGen allele CA372678444.